The following is an entry in ClinVar:

ClinVar aggregate classification (germline): Uncertain significance (1 of 4 stars; one submission).

Conditions:
X-linked agammaglobulinemia with growth hormone deficiency (IGHD3). Also called: FLEISHER SYNDROME; HYPOGAMMAGLOBULINEMIA AND ISOLATED GROWTH HORMONE DEFICIENCY, X-LINKED; IGHD III; ISOLATED GROWTH HORMONE DEFICIENCY, TYPE III, WITH AGAMMAGLOBULINEMIA; Isolated growth hormone deficiency type 3; Growth hormone deficiency with hypogammaglobulinemia. Identifiers: Orphanet 231692, Orphanet 631, MedGen C0472813, MONDO:0010615, OMIM 307200.

Submission:

Labcorp Genetics (formerly Invitae), Labcorp
Classification: Uncertain significance for X-linked agammaglobulinemia with growth hormone deficiency. Last evaluated: 2020-06-01. Review status: criteria provided, single submitter. Criteria: Invitae Variant Classification Sherloc (09022015). Collection method: clinical testing. Allele origin: germline.
Comment: This sequence change replaces serine with tyrosine at codon 592 of the BTK protein (p.Ser592Tyr). The serine residue is moderately conserved and there is a large physicochemical difference between serine and tyrosine. This variant is not present in population databases (ExAC no frequency). This variant has been observed in individual(s) with clinical features of X-linked agammaglobulinemia (PMID: 10844531, Invitae). Algorithms developed to predict the effect of missense changes on protein structure and function are either unavailable or do not agree on the potential impact of this missense change (SIFT: "Deleterious"; PolyPhen-2: "Probably Damaging"; Align-GVGD: "Class C15"). This variant disrupts the p.Ser592 amino acid residue in BTK. Other variant(s) that disrupt this residue have been observed in individuals with BTK-related conditions (PMID: 30072168, 8834236), which suggests that this may be a clinically significant amino acid residue. In summary, the available evidence is currently insufficient to determine the role of this variant in disease. Therefore, it has been classified as a Variant of Uncertain Significance.

Literature cited by the submitters: PubMed 10844531; PubMed 30072168; PubMed 8834236.

NM_000061.3(BTK):c.1775C>A (p.Ser592Tyr)

Gene: BTK (Bruton tyrosine kinase; minus strand). Cytogenetic location: Xq22.1.
Variant type: single nucleotide variant.
Coding change: c.1775C>A on transcript NM_000061.3 (MANE Select); coding-DNA position 1775, C replaced by A.
Protein change: p.Ser592Tyr; replaces serine 592 with tyrosine.
Molecular consequence: missense variant.
Genome position (GRCh38, 1-based): chrX:101,353,327, G>T on the plus strand (C>A on the coding strand, the complement: BTK is on the minus strand). VCF-style: chrX-101353327-G-T. GRCh37 (hg19) VCF-style: chrX-100608315-G-T.
Other names: c.1877C>A, p.Ser626Tyr (NM_001287344.2); c.1247C>A, p.Ser416Tyr (NM_001287345.2); short protein forms S416Y, S592Y, S626Y.
Identifiers: ClinVar variation 1002552 (VCV001002552.9), dbSNP rs1926358194, ClinGen allele CA413919471.